The following is an entry in ClinVar:

ClinVar aggregate classification (germline): Uncertain significance (1 of 4 stars; one submission).

Submission:

Labcorp Genetics (formerly Invitae), Labcorp
Classification: Uncertain significance. Last evaluated: 2021-11-18. Review status: criteria provided, single submitter. Criteria: Invitae Variant Classification Sherloc (09022015). Collection method: clinical testing. Allele origin: germline.
Comment: This variant is not present in population databases (gnomAD no frequency). This variant has not been reported in the literature in individuals affected with NACC1-related conditions. Algorithms developed to predict the effect of missense changes on protein structure and function are either unavailable or do not agree on the potential impact of this missense change (SIFT: "Deleterious"; PolyPhen-2: "Benign"; Align-GVGD: "Class C45"). In summary, the available evidence is currently insufficient to determine the role of this variant in disease. Therefore, it has been classified as a Variant of Uncertain Significance. This sequence change replaces lysine, which is basic and polar, with glutamine, which is neutral and polar, at codon 368 of the NACC1 protein (p.Lys368Gln).

NM_052876.4(NACC1):c.1102A>C (p.Lys368Gln)

Gene: NACC1 (nucleus accumbens associated 1; plus strand). Cytogenetic location: 19p13.13.
Variant type: single nucleotide variant.
Coding change: c.1102A>C on transcript NM_052876.4 (MANE Select); coding-DNA position 1102, A replaced by C.
Protein change: p.Lys368Gln; replaces lysine 368 with glutamine.
Molecular consequence: missense variant.
Genome position (GRCh38, 1-based): chr19:13,136,387, A>C. VCF-style: chr19-13136387-A-C. GRCh37 (hg19) VCF-style: chr19-13247201-A-C.
Other names: short protein forms K368Q.
Identifiers: ClinVar variation 1489597 (VCV001489597.6), dbSNP rs2145624569, ClinGen allele CA404327720.
Genomic context (GRCh38, chr19:13,136,387, plus strand): 5'-ATCAACCAGATTGGGAACCGCTGCCACCCCAAGCTCTACGACGAGGGCGACCCCTCTGAG[A>C]AGCTGGAGCTGGTGACAGGTGGGCCGGTCTCGCCCCAGATCTCTCCCCTCCGCAGCTTTG-3'
Protein context (NP_443108.1, residues 358-378): KLYDEGDPSE[Lys368Gln]LELVTGTNVY